The following is an entry in ClinVar:

ClinVar aggregate classification (germline): Likely pathogenic (1 of 4 stars; one submission).

Conditions:
Charcot-Marie-Tooth Neuropathy X. Identifiers: MedGen CN118851.

Submission:

Labcorp Genetics (formerly Invitae), Labcorp
Classification: Likely pathogenic for Charcot-Marie-Tooth Neuropathy X. Last evaluated: 2023-11-24. Review status: criteria provided, single submitter. Criteria: Invitae Variant Classification Sherloc (09022015). Collection method: clinical testing. Allele origin: germline.
Comment: This sequence change replaces methionine, which is neutral and non-polar, with isoleucine, which is neutral and non-polar, at codon 34 of the GJB1 protein (p.Met34Ile). This variant is not present in population databases (gnomAD no frequency). This missense change has been observed in individual(s) with Charcot-Marie-Tooth disease (PMID: 29998508; Invitae). It has also been observed to segregate with disease in related individuals. ClinVar contains an entry for this variant (Variation ID: 406226). Advanced modeling of protein sequence and biophysical properties (such as structural, functional, and spatial information, amino acid conservation, physicochemical variation, residue mobility, and thermodynamic stability) performed at Invitae indicates that this missense variant is not expected to disrupt GJB1 protein function with a negative predictive value of 80%. Experimental studies have shown that this missense change affects GJB1 function (PMID: 12460545). This variant disrupts the p.Met34 amino acid residue in GJB1. Other variant(s) that disrupt this residue have been determined to be pathogenic (PMID: 8829637, 9018031, 10737979, 12460545). This suggests that this residue is clinically significant, and that variants that disrupt this residue are likely to be disease-causing. In summary, the currently available evidence indicates that the variant is pathogenic, but additional data are needed to prove that conclusively. Therefore, this variant has been classified as Likely Pathogenic.

Literature cited by the submitters: PubMed 29998508; PubMed 12460545; PubMed 8829637; PubMed 9018031; PubMed 10737979.

NM_000166.6(GJB1):c.102G>A (p.Met34Ile)

Gene: GJB1 (gap junction protein beta 1; plus strand). Cytogenetic location: Xq13.1.
Variant type: single nucleotide variant.
Coding change: c.102G>A on transcript NM_000166.6 (MANE Select); coding-DNA position 102, G replaced by A.
Protein change: p.Met34Ile; replaces methionine 34 with isoleucine.
Molecular consequence: missense variant.
Genome position (GRCh38, 1-based): chrX:71,223,809, G>A. VCF-style: chrX-71223809-G-A. GRCh37 (hg19) VCF-style: chrX-70443659-G-A.
Other names: c.102G>A, p.Met34Ile (NM_001097642.3); short protein forms M34I.
Identifiers: ClinVar variation 406226 (VCV000406226.8), dbSNP rs1060501000, ClinGen allele CA16616704.
Genomic context (GRCh38, chrX:71,223,809, plus strand): 5'-CCGGCATTCTACTGCCATTGGCCGAGTATGGCTCTCGGTCATCTTCATCTTCAGAATCAT[G>A]GTGCTGGTGGTGGCTGCAGAGAGTGTGTGGGGTGATGAGAAATCTTCCTTCATCTGCAAC-3'
Protein context (NP_000157.1, residues 24-44): WLSVIFIFRI[Met34Ile]VLVVAAESVW